The following is an entry in ClinVar:

NM_005744.5(ARIH1):c.362A>T (p.Asn121Ile)

Gene: ARIH1 (ariadne RBR E3 ubiquitin protein ligase 1; plus strand). Cytogenetic location: 15q24.1.
Variant type: single nucleotide variant.
Coding change: c.362A>T on transcript NM_005744.5 (MANE Select); coding-DNA position 362, A replaced by T.
Protein change: p.Asn121Ile; replaces asparagine 121 with isoleucine.
Molecular consequence: missense variant.
Genome position (GRCh38, 1-based): chr15:72,475,001, A>T. VCF-style: chr15-72475001-A-T. GRCh37 (hg19) VCF-style: chr15-72767342-A-T.
Other names: short protein forms N121I.
Identifiers: ClinVar variation 4710456 (VCV004710456.1).

ClinVar aggregate classification (germline): Uncertain significance (1 of 4 stars; one submission).

gnomAD v4.1: 2 of 1,557,082 alleles (0.00013%); highest among the groups gnomAD compares: Non-Finnish European, 0.00017%; no homozygotes.

Submission:

Labcorp Genetics (formerly Invitae), Labcorp
Classification: Uncertain significance. Last evaluated: 2025-03-04. Review status: criteria provided, single submitter. Criteria: Invitae Variant Classification Sherloc (09022015). Collection method: clinical testing. Allele origin: germline.
Comment: This sequence change replaces asparagine, which is neutral and polar, with isoleucine, which is neutral and non-polar, at codon 121 of the ARIH1 protein (p.Asn121Ile). This variant is not present in population databases (gnomAD no frequency). This variant has not been reported in the literature in individuals affected with ARIH1-related conditions. An algorithm developed to predict the effect of missense changes on protein structure and function (PolyPhen-2) suggests that this variant is likely to be disruptive. In summary, the available evidence is currently insufficient to determine the role of this variant in disease. Therefore, it has been classified as a Variant of Uncertain Significance.